The following is an entry in ClinVar:

ClinVar aggregate classification (germline): Uncertain significance (1 of 4 stars; one submission).

gnomAD v4.1: 2 of 1,613,946 alleles (0.00012%); highest among the groups gnomAD compares: East Asian, 0.0045%; no homozygotes.

Submission:

Labcorp Genetics (formerly Invitae), Labcorp
Classification: Uncertain significance. Last evaluated: 2024-02-24. Review status: criteria provided, single submitter. Criteria: Invitae Variant Classification Sherloc (09022015). Collection method: clinical testing. Allele origin: germline.
Comment: This sequence change replaces leucine, which is neutral and non-polar, with arginine, which is basic and polar, at codon 1499 of the POLE protein (p.Leu1499Arg). This variant is not present in population databases (gnomAD no frequency). This variant has not been reported in the literature in individuals affected with POLE-related conditions. Advanced modeling of protein sequence and biophysical properties (such as structural, functional, and spatial information, amino acid conservation, physicochemical variation, residue mobility, and thermodynamic stability) performed at Invitae indicates that this missense variant is not expected to disrupt POLE protein function with a negative predictive value of 80%. In summary, the available evidence is currently insufficient to determine the role of this variant in disease. Therefore, it has been classified as a Variant of Uncertain Significance.

NM_006231.4(POLE):c.4496T>G (p.Leu1499Arg)

Gene: POLE (DNA polymerase epsilon, catalytic subunit; minus strand). Cytogenetic location: 12q24.33.
Variant type: single nucleotide variant.
Coding change: c.4496T>G on transcript NM_006231.4 (MANE Select); coding-DNA position 4496, T replaced by G.
Protein change: p.Leu1499Arg; replaces leucine 1499 with arginine.
Molecular consequence: missense variant.
Genome position (GRCh38, 1-based): chr12:132,643,279, A>C on the plus strand (T>G on the coding strand, the complement: POLE is on the minus strand). VCF-style: chr12-132643279-A-C. GRCh37 (hg19) VCF-style: chr12-133219865-A-C.
Other names: short protein forms L1499R.
Identifiers: ClinVar variation 3607954 (VCV003607954.2).